The following is an entry in ClinVar:

ClinVar aggregate classification (germline): Likely pathogenic (1 of 4 stars; one submission).

Submission:

Labcorp Genetics (formerly Invitae), Labcorp
Classification: Likely pathogenic. Last evaluated: 2022-12-13. Review status: criteria provided, single submitter. Criteria: Invitae Variant Classification Sherloc (09022015). Collection method: clinical testing. Allele origin: germline.
Comment: In summary, the currently available evidence indicates that the variant is pathogenic, but additional data are needed to prove that conclusively. Therefore, this variant has been classified as Likely Pathogenic. This sequence change affects a donor splice site in intron 80 of the COL7A1 gene. It is expected to disrupt RNA splicing. Variants that disrupt the donor or acceptor splice site typically lead to a loss of protein function (PMID: 16199547), and loss-of-function variants in COL7A1 are known to be pathogenic (PMID: 16971478). This variant is not present in population databases (gnomAD no frequency). This variant has not been reported in the literature in individuals affected with COL7A1-related conditions. Algorithms developed to predict the effect of sequence changes on RNA splicing suggest that this variant may disrupt the consensus splice site.

Literature cited by the submitters: PubMed 16199547; PubMed 16971478.

NM_000094.4(COL7A1):c.6537+1G>A

Gene: COL7A1 (collagen type VII alpha 1 chain; minus strand). Cytogenetic location: 3p21.31.
Variant type: single nucleotide variant.
Coding change: c.6537+1G>A on transcript NM_000094.4 (MANE Select); the canonical splice donor site of the intron after coding-DNA position 6537, G replaced by A.
Molecular consequence: splice donor variant.
Genome position (GRCh38, 1-based): chr3:48,573,854, C>T on the plus strand (G>A on the coding strand, the complement: COL7A1 is on the minus strand). VCF-style: chr3-48573854-C-T. GRCh37 (hg19) VCF-style: chr3-48611287-C-T.
Identifiers: ClinVar variation 2820279 (VCV002820279.3), dbSNP rs2044098988, ClinGen allele CA352657333.